The following is an entry in ClinVar:

ClinVar aggregate classification (germline): Likely pathogenic (1 of 4 stars; one submission).

Conditions:
Autosomal recessive limb-girdle muscular dystrophy type 2J (LGMDR10). Also called: Limb-girdle muscular dystrophy, type 2J; MUSCULAR DYSTROPHY, LIMB-GIRDLE, AUTOSOMAL RECESSIVE 10. Identifiers: Orphanet 140922, MedGen C1837342, MONDO:0012127, OMIM 608807.
Dilated cardiomyopathy 1G (CMD1G). Identifiers: Orphanet 154, MedGen C1858763, MONDO:0011400, OMIM 604145.

Submission:

Labcorp Genetics (formerly Invitae), Labcorp
Classification: Likely pathogenic for Dilated cardiomyopathy 1G; Autosomal recessive limb-girdle muscular dystrophy type 2J. Last evaluated: 2024-10-28. Review status: criteria provided, single submitter. Criteria: Invitae Variant Classification Sherloc (09022015). Collection method: clinical testing. Allele origin: germline.
Comment: This sequence change creates a premature translational stop signal (p.Thr30598Hisfs*16) in the TTN gene. While this is not anticipated to result in nonsense mediated decay, it is expected to create a truncated TTN protein. This variant is not present in population databases (gnomAD no frequency). This variant has not been reported in the literature in individuals affected with TTN-related conditions. This variant is located in the A band of TTN (PMID: 25589632). Truncating variants in this region are significantly overrepresented in patients affected with dilated cardiomyopathy (PMID: 25589632). Truncating variants in this region have also been reported in individuals affected with autosomal recessive centronuclear myopathy (PMID: 23975875). In summary, the currently available evidence indicates that the variant is pathogenic, but additional data are needed to prove that conclusively. Therefore, this variant has been classified as Likely Pathogenic.

Literature cited by the submitters: PubMed 25589632; PubMed 23975875.

NM_001267550.2(TTN):c.91791dup (p.Thr30598fs)

Genes: TTN-AS1 (TTN antisense RNA 1; plus strand), TTN (titin; minus strand). Cytogenetic location: 2q31.2.
Variant type: Duplication.
Coding change: c.91791dup on transcript NM_001267550.2 (MANE Select); coding-DNA position 91791, one base duplicated (C; older notation c.91791dupC).
Protein change: p.Thr30598fs; shifts the reading frame from threonine 30598.
Molecular consequence: frameshift variant.
Genome position (GRCh38, 1-based): chr2:178,550,047, G duplicated on the plus strand (C on the coding strand, the reverse complement: TTN is on the minus strand). VCF-style (leftmost placement, unchanged base first): chr2-178550046-T-TG. GRCh37 (hg19) VCF-style: chr2-179414773-T-TG.
Other names: c.86868dup, p.Thr28957fs (NM_001256850.1); c.64596dup, p.Thr21533fs (NM_003319.4); c.84087dup, p.Thr28030fs (NM_133378.4); c.64971dup, p.Thr21658fs (NM_133432.3); c.65172dup, p.Thr21725fs (NM_133437.4); short protein forms T21533fs, T21658fs, T21725fs, T28030fs, T28957fs, T30598fs.
Identifiers: ClinVar variation 3763184 (VCV003763184.2).